The following is an entry in ClinVar:

NM_020843.4(SCAPER):c.3882C>G (p.Pro1294=)

Gene: SCAPER (S-phase cyclin A associated protein in the ER; minus strand). Cytogenetic location: 15q24.3.
Variant type: single nucleotide variant.
Coding change: c.3882C>G on transcript NM_020843.4 (MANE Select); coding-DNA position 3882, C replaced by G.
Protein change: p.Pro1294=; no amino-acid change (proline 1294 retained).
Molecular consequence: synonymous variant. On other transcripts: non-coding transcript variant (1).
Genome position (GRCh38, 1-based): chr15:76,354,114, G>C on the plus strand (C>G on the coding strand, the complement: SCAPER is on the minus strand). VCF-style: chr15-76354114-G-C. GRCh37 (hg19) VCF-style: chr15-76646455-G-C.
Other names: c.3144C>G, p.Pro1048= (NM_001145923.2); c.3900C>G, p.Pro1300= (NM_001353009.2); c.3480C>G, p.Pro1160= (NM_001353010.2, NM_001353012.2); c.3498C>G, p.Pro1166= (NM_001353011.2); c.3900C>G (NM_001353009.1).
Identifiers: ClinVar variation 791405 (VCV000791405.8), dbSNP rs58388611, ClinGen allele CA7674322.

ClinVar aggregate classification (germline): Benign/Likely benign. Review status: criteria provided, multiple submitters, no conflicts (2 of 4 stars). 4 submissions from 4 submitters: Benign (2); Likely benign (1). 1 of the submissions does not count toward it. Last evaluated 2024-11-27.

Conditions:
SCAPER-related disorder. Also called: SCAPER-related condition.

Allele frequency attached by ClinVar (database versions not stated): gnomAD exomes 0.00117; ExAC 0.00151; gnomAD 0.00376; TOPMed 0.00488; ESP Exome Variant Server 0.00514; 1000 Genomes Project 0.00539; 1000 Genomes Project 30x 0.00593.
gnomAD v4.1: 1,375 of 1,608,804 alleles (0.085%); highest among the groups gnomAD compares: African/African-American, 1.6%; 18 homozygotes.

Submissions (4):

Blueprint Genetics
Classification: Likely benign. Last evaluated: 2024-11-27. Review status: criteria provided, single submitter. Criteria: ACMG Guidelines, 2015. Collection method: clinical testing. Allele origin: germline.

Labcorp Genetics (formerly Invitae), Labcorp
Classification: Benign. Last evaluated: 2019-12-31. Review status: criteria provided, single submitter. Criteria: Invitae Variant Classification Sherloc (09022015). Collection method: clinical testing. Allele origin: germline.

Breakthrough Genomics
Classification: Benign. Review status: criteria provided, single submitter. Criteria: ACMG Guidelines, 2015. Collection method: not provided. Allele origin: germline. Inheritance: Autosomal recessive inheritance. Affected: yes.

PreventionGenetics, part of Exact Sciences
Classification: Benign for SCAPER-related condition. Last evaluated: 2024-07-26. Review status: no assertion criteria provided. Collection method: clinical testing. Allele origin: germline. Not counted in ClinVar's aggregate classification.
Comment: This variant is classified as benign based on ACMG/AMP sequence variant interpretation guidelines (Richards et al. 2015 PMID: 25741868, with internal and published modifications).